The following is an entry in ClinVar:

ClinVar aggregate classification (germline): Uncertain significance. Review status: criteria provided, multiple submitters, no conflicts (2 of 4 stars). 2 submissions from 2 submitters: Uncertain significance (2). Last evaluated 2026-05-22.

Conditions:
Familial adenomatous polyposis 1 (FAP1). Also called: FAMILIAL ADENOMATOUS POLYPOSIS 1, ATTENUATED; POLYPOSIS, ADENOMATOUS INTESTINAL. Identifiers: MedGen C2713442, MONDO:0021056, OMIM 175100. Disease mechanism: loss of function.
Hereditary cancer-predisposing syndrome. Also called: Hereditary neoplastic syndrome; Neoplastic Syndromes, Hereditary; Tumor predisposition; Hereditary Cancer Syndrome. Identifiers: Orphanet 140162, MedGen C0027672, MeSH D009386, MONDO:0015356.

gnomAD v4.1: 1 of 1,613,894 alleles (0.000062%); highest among the groups gnomAD compares: Non-Finnish European, 0.000085%; no homozygotes.

Submissions (2):

Ambry Genetics
Classification: Uncertain significance for Hereditary cancer-predisposing syndrome. Last evaluated: 2026-05-22. Review status: criteria provided, single submitter. Criteria: Ambry Variant Classification Scheme 2023. Collection method: clinical testing. Allele origin: germline.
Comment: The p.L2092V variant (also known as c.6274C>G), located in coding exon 15 of the APC gene, results from a C to G substitution at nucleotide position 6274. The leucine at codon 2092 is replaced by valine, an amino acid with highly similar properties. This amino acid position is not well conserved in available vertebrate species. Missense variants in APC are not a common cause of disease (Spier I et al. Genet Med. 2024 Feb;26(2):100992). Based on the available evidence, the clinical significance of this variant remains unclear.

Labcorp Genetics (formerly Invitae), Labcorp
Classification: Uncertain significance for Familial adenomatous polyposis 1. Last evaluated: 2025-02-20. Review status: criteria provided, single submitter. Criteria: Invitae Variant Classification Sherloc (09022015). Collection method: clinical testing. Allele origin: germline.
Comment: This sequence change replaces leucine, which is neutral and non-polar, with valine, which is neutral and non-polar, at codon 2092 of the APC protein (p.Leu2092Val). This variant is not present in population databases (gnomAD no frequency). This variant has not been reported in the literature in individuals affected with APC-related conditions. Invitae Evidence Modeling of protein sequence and biophysical properties (such as structural, functional, and spatial information, amino acid conservation, physicochemical variation, residue mobility, and thermodynamic stability) indicates that this missense variant is not expected to disrupt APC protein function with a negative predictive value of 95%. In summary, the available evidence is currently insufficient to determine the role of this variant in disease. Therefore, it has been classified as a Variant of Uncertain Significance.

NM_000038.6(APC):c.6274C>G (p.Leu2092Val)

Gene: APC (APC regulator of Wnt signaling pathway; plus strand). Cytogenetic location: 5q22.2.
Variant type: single nucleotide variant.
Coding change: c.6274C>G on transcript NM_000038.6 (MANE Select); coding-DNA position 6274, C replaced by G.
Protein change: p.Leu2092Val; replaces leucine 2092 with valine.
Molecular consequence: missense variant. On other transcripts: non-coding transcript variant (2).
Genome position (GRCh38, 1-based): chr5:112,841,868, C>G. VCF-style: chr5-112841868-C-G. GRCh37 (hg19) VCF-style: chr5-112177565-C-G.
Other names: c.6274C>G, p.Leu2092Val (NM_001127510.3, NM_001354895.2, NM_001407450.1); c.6220C>G, p.Leu2074Val (NM_001127511.3); c.6328C>G, p.Leu2110Val (NM_001354896.2, NM_001407447.1, NM_001407448.1 and 1 more transcripts); c.6304C>G, p.Leu2102Val (NM_001354897.2); c.6199C>G, p.Leu2067Val (NM_001354898.2); c.6190C>G, p.Leu2064Val (NM_001354899.2); c.6151C>G, p.Leu2051Val (NM_001354900.2); c.6097C>G, p.Leu2033Val (NM_001354901.2, NM_001407453.1); and 12 more; short protein forms L1708V, L1809V, L1932V, L1963V, L1966V, L1991V, L2001V, L2009V.
Identifiers: ClinVar variation 4801503 (VCV004801503.2).